The following is an entry in ClinVar:

NM_006567.5(FARS2):c.1012C>T (p.Arg338Cys)

Gene: FARS2 (phenylalanyl-tRNA synthetase 2, mitochondrial; plus strand). Cytogenetic location: 6p25.1.
Variant type: single nucleotide variant.
Coding change: c.1012C>T on transcript NM_006567.5 (MANE Select); coding-DNA position 1012, C replaced by T.
Protein change: p.Arg338Cys; replaces arginine 338 with cysteine.
Molecular consequence: missense variant.
Genome position (GRCh38, 1-based): chr6:5,545,287, C>T. VCF-style: chr6-5545287-C-T. GRCh37 (hg19) VCF-style: chr6-5545520-C-T.
Other names: c.1012C>T, p.Arg338Cys (NM_001318872.2, NM_001374875.1, NM_001374876.1 and 4 more transcripts); c.880C>T, p.Arg294Cys (NM_001375258.1); c.316C>T, p.Arg106Cys (NM_001375259.1, NM_001375260.1); short protein forms R106C, R294C, R338C.
Identifiers: ClinVar variation 837312 (VCV000837312.10), dbSNP rs1167684566, ClinGen allele CA362736604.

ClinVar aggregate classification (germline): Uncertain significance. Review status: criteria provided, multiple submitters, no conflicts (2 of 4 stars). 2 submissions from 2 submitters: Uncertain significance (2). Last evaluated 2025-04-16.

Conditions:
Combined oxidative phosphorylation defect type 14. Also called: Combined oxidative phosphorylation deficiency 14. Identifiers: Orphanet 319519, MedGen C4755312, MONDO:0013986, OMIM 614946.
Inborn genetic diseases. Identifiers: MedGen C0950123, MeSH D030342.

Allele frequency attached by ClinVar (database versions not stated): TOPMed 0.00001.
gnomAD v4.1: 29 of 1,614,048 alleles (0.0018%); highest among the groups gnomAD compares: East Asian, 0.0067%; no homozygotes.

Submissions (2):

Labcorp Genetics (formerly Invitae), Labcorp
Classification: Uncertain significance for Combined oxidative phosphorylation defect type 14. Last evaluated: 2025-04-16. Review status: criteria provided, single submitter. Criteria: Invitae Variant Classification Sherloc (09022015). Collection method: clinical testing. Allele origin: germline.
Comment: This sequence change replaces arginine, which is basic and polar, with cysteine, which is neutral and slightly polar, at codon 338 of the FARS2 protein (p.Arg338Cys). This variant is present in population databases (no rsID available, gnomAD 0.002%). This variant has not been reported in the literature in individuals affected with FARS2-related conditions. ClinVar contains an entry for this variant (Variation ID: 837312). Invitae Evidence Modeling of protein sequence and biophysical properties (such as structural, functional, and spatial information, amino acid conservation, physicochemical variation, residue mobility, and thermodynamic stability) indicates that this missense variant is expected to disrupt FARS2 protein function with a positive predictive value of 95%. In summary, the available evidence is currently insufficient to determine the role of this variant in disease. Therefore, it has been classified as a Variant of Uncertain Significance.

Ambry Genetics
Classification: Uncertain significance for Inborn genetic diseases. Last evaluated: 2024-05-14. Review status: criteria provided, single submitter. Criteria: Ambry Variant Classification Scheme 2023. Collection method: clinical testing. Allele origin: germline.